The following is an entry in ClinVar:

ClinVar aggregate classification (germline): Uncertain significance (1 of 4 stars; one submission).

Submission:

Ambry Genetics
Classification: Uncertain significance. Last evaluated: 2023-08-26. Review status: criteria provided, single submitter. Criteria: Ambry Variant Classification Scheme 2023. Collection method: clinical testing. Allele origin: germline.
Comment: The p.E159V variant (also known as c.476A>T), located in coding exon 5 of the PRKDC gene, results from an A to T substitution at nucleotide position 476. The glutamic acid at codon 159 is replaced by valine, an amino acid with dissimilar properties. This amino acid position is conserved. In addition, the in silico prediction for this alteration is inconclusive. Since supporting evidence is limited at this time, the clinical significance of this alteration remains unclear.

NM_006904.7(PRKDC):c.476A>T (p.Glu159Val)

Gene: PRKDC (protein kinase, DNA-activated, catalytic subunit; minus strand). Cytogenetic location: 8q11.21.
Variant type: single nucleotide variant.
Coding change: c.476A>T on transcript NM_006904.7 (MANE Select); coding-DNA position 476, A replaced by T.
Protein change: p.Glu159Val; replaces glutamic acid 159 with valine.
Molecular consequence: missense variant.
Genome position (GRCh38, 1-based): chr8:47,954,370, T>A on the plus strand (A>T on the coding strand, the complement: PRKDC is on the minus strand). VCF-style: chr8-47954370-T-A. GRCh37 (hg19) VCF-style: chr8-48866930-T-A.
Other names: c.476A>T, p.Glu159Val (NM_001081640.2); short protein forms E159V.
Identifiers: ClinVar variation 2624574 (VCV002624574.2), dbSNP rs2551881910, ClinGen allele CA371139063.